The following is an entry in ClinVar:

ClinVar aggregate classification (germline): Uncertain significance (1 of 4 stars; one submission).

gnomAD v4.1: 1 of 1,211,086 alleles (0.000083%); highest among the groups gnomAD compares: Non-Finnish European, 0.00011%; no homozygotes.

Submission:

Women's Health and Genetics/Laboratory Corporation of America, LabCorp
Classification: Uncertain significance. Last evaluated: 2024-09-13. Review status: criteria provided, single submitter. Criteria: LabCorp Variant Classification Summary - May 2015. Collection method: clinical testing. Allele origin: germline.
Comment: Variant summary: F8 c.73T>C (p.Tyr25His) results in a conservative amino acid change in the encoded protein sequence. Three of five in-silico tools predict a damaging effect of the variant on protein function. The variant was absent in 183432 control chromosomes. The available data on variant occurrences in the general population are insufficient to allow any conclusion about variant significance. To our knowledge, no occurrence of c.73T>C in individuals affected with Factor VIII Deficiency (Hemophilia A) and no experimental evidence demonstrating its impact on protein function have been reported. No submitters have cited clinical-significance assessments for this variant to ClinVar. Other variants affecting p.Y25 (p.Y25C, p.Y25S) have been reported in patients affected with Factor VIII Deficiency (Hemophilia A, HGMD database). Based on the evidence outlined above, the variant was classified as uncertain significance.

NM_000132.4(F8):c.73T>C (p.Tyr25His)

Gene: F8 (coagulation factor VIII; minus strand). Cytogenetic location: Xq28.
Variant type: single nucleotide variant.
Coding change: c.73T>C on transcript NM_000132.4 (MANE Select); coding-DNA position 73, T replaced by C.
Protein change: p.Tyr25His; replaces tyrosine 25 with histidine.
Molecular consequence: missense variant.
Genome position (GRCh38, 1-based): chrX:155,022,480, A>G on the plus strand (T>C on the coding strand, the complement: F8 is on the minus strand). VCF-style: chrX-155022480-A-G. GRCh37 (hg19) VCF-style: chrX-154250755-A-G.
Other names: short protein forms Y25H.
Identifiers: ClinVar variation 3374831 (VCV003374831.1).